The following is an entry in ClinVar:

ClinVar aggregate classification (germline): Uncertain significance (1 of 4 stars; one submission).

Conditions:
CC2D2A-related disorder. Also called: CC2D2A-related condition; CC2D2A-related disorders. Identifiers: MedGen CN239313.

Submission:

PreventionGenetics, part of Exact Sciences
Classification: Uncertain significance for CC2D2A-related condition. Last evaluated: 2024-11-16. Review status: criteria provided, single submitter. Criteria: ACMG Guidelines, 2015. Collection method: clinical testing. Allele origin: germline.
Comment: The CC2D2A c.4661T>G variant is predicted to result in the amino acid substitution p.Leu1554Arg. To our knowledge, this variant has not been reported in the literature or in a large population database (gnomAD), indicating this variant is rare. At this time, the clinical significance of this variant is uncertain due to the absence of conclusive functional and genetic evidence.

NM_001378615.1(CC2D2A):c.4661T>G (p.Leu1554Arg)

Genes: CC2D2A (coiled-coil and C2 domain containing 2A; plus strand), FBXL5 (F-box and leucine rich repeat protein 5; minus strand). Cytogenetic location: 4p15.32.
Variant type: single nucleotide variant.
Coding change: c.4661T>G on transcript NM_001378615.1 (MANE Select); coding-DNA position 4661, T replaced by G.
Protein change: p.Leu1554Arg; replaces leucine 1554 with arginine.
Molecular consequence: missense variant.
Genome position (GRCh38, 1-based): chr4:15,599,693, T>G. VCF-style: chr4-15599693-T-G. GRCh37 (hg19) VCF-style: chr4-15601316-T-G.
Other names: c.4661T>G, p.Leu1554Arg (NM_001080522.2); c.4514T>G, p.Leu1505Arg (NM_001378617.1); short protein forms L1505R, L1554R.
Identifiers: ClinVar variation 4998934 (VCV004998934.1).